The following is an entry in ClinVar:

NM_152443.3(RDH12):c.56C>T (p.Ala19Val)

Genes: RDH12 (retinol dehydrogenase 12; plus strand), GPHN (gephyrin; plus strand). Cytogenetic location: 14q24.1.
Variant type: single nucleotide variant.
Coding change: c.56C>T on transcript NM_152443.3 (MANE Select); coding-DNA position 56, C replaced by T.
Protein change: p.Ala19Val; replaces alanine 19 with valine.
Molecular consequence: missense variant.
Genome position (GRCh38, 1-based): chr14:67,722,698, C>T. VCF-style: chr14-67722698-C-T. GRCh37 (hg19) VCF-style: chr14-68189415-C-T.
Other names: short protein forms A19V.
Identifiers: ClinVar variation 2147313 (VCV002147313.4), dbSNP rs2503780402, ClinGen allele CA390146438.

ClinVar aggregate classification (germline): Uncertain significance (1 of 4 stars; one submission).

Conditions:
Leber congenital amaurosis 13 (LCA13). Identifiers: MedGen C2675186, MONDO:0012990, OMIM 612712.

Allele frequency attached by ClinVar (database versions not stated): gnomAD exomes below 0.00001.
gnomAD v4.1: 1 of 1,613,640 alleles (0.000062%); highest among the groups gnomAD compares: Admixed American, 0.0017%; no homozygotes.

Submission:

Labcorp Genetics (formerly Invitae), Labcorp
Classification: Uncertain significance for Leber congenital amaurosis 13. Last evaluated: 2022-11-22. Review status: criteria provided, single submitter. Criteria: Invitae Variant Classification Sherloc (09022015). Collection method: clinical testing. Allele origin: germline.
Comment: This variant is not present in population databases (gnomAD no frequency). This variant has not been reported in the literature in individuals affected with RDH12-related conditions. Algorithms developed to predict the effect of missense changes on protein structure and function (SIFT, PolyPhen-2, Align-GVGD) all suggest that this variant is likely to be tolerated. In summary, the available evidence is currently insufficient to determine the role of this variant in disease. Therefore, it has been classified as a Variant of Uncertain Significance. This sequence change replaces alanine, which is neutral and non-polar, with valine, which is neutral and non-polar, at codon 19 of the RDH12 protein (p.Ala19Val).